The following is an entry in ClinVar:

NM_001127222.2(CACNA1A):c.1669-17C>T

Gene: CACNA1A (calcium voltage-gated channel subunit alpha1 A; minus strand). Cytogenetic location: 19p13.13.
Variant type: single nucleotide variant.
Coding change: c.1669-17C>T on transcript NM_001127222.2 (MANE Select); 17 bases into the intron before coding-DNA position 1669, C replaced by T.
Molecular consequence: intron variant.
Genome position (GRCh38, 1-based): chr19:13,308,545, G>A on the plus strand (C>T on the coding strand, the complement: CACNA1A is on the minus strand). VCF-style: chr19-13308545-G-A. GRCh37 (hg19) VCF-style: chr19-13419359-G-A.
Other names: c.1672-17C>T (NM_001127221.2, NM_001174080.2, NM_000068.4 and 1 more transcripts).
Identifiers: ClinVar variation 389058 (VCV000389058.12), dbSNP rs755846938, ClinGen allele CA9240755.

ClinVar aggregate classification (germline): Likely benign. Review status: criteria provided, multiple submitters, no conflicts (2 of 4 stars). 5 submissions from 5 submitters: Likely benign (5). Last evaluated 2025-08-09.

Conditions:
Episodic ataxia type 2 (EA2). Also called: ATAXIA, EPISODIC, WITH NYSTAGMUS; ATAXIA, FAMILIAL PAROXYSMAL; CEREBELLAR ATAXIA, PAROXYSMAL, ACETAZOLAMIDE-RESPONSIVE; CEREBELLOPATHY, HEREDITARY PAROXYSMAL; ACETAZOLAMIDE-RESPONSIVE HEREDITARY PAROXYSMAL CEREBELLAR ATAXIA; EPISODIC ATAXIA, NYSTAGMUS-ASSOCIATED. Identifiers: Orphanet 97, MedGen C1720416, MONDO:0007163, OMIM 108500.
Developmental and epileptic encephalopathy, 42 (DEE42A). Also called: DEVELOPMENTAL AND EPILEPTIC ENCEPHALOPATHY 42A; EPILEPTIC ENCEPHALOPATHY, EARLY INFANTILE, 42A; Epileptic encephalopathy, early infantile, 42. Identifiers: MedGen C4310716, MONDO:0014917, OMIM 617106.

Allele frequency attached by ClinVar (database versions not stated): gnomAD exomes 0.00004; ExAC 0.00007; gnomAD 0.00001 and 0.00003; TOPMed 0.00003.
gnomAD v4.1: 54 of 1,522,646 alleles (0.0035%); highest among the groups gnomAD compares: Middle Eastern, 0.13%; no homozygotes.

Submissions (5):

Labcorp Genetics (formerly Invitae), Labcorp
Classification: Likely benign for Developmental and epileptic encephalopathy, 42; Episodic ataxia type 2. Last evaluated: 2025-08-09. Review status: criteria provided, single submitter. Criteria: Invitae Variant Classification Sherloc (09022015). Collection method: clinical testing. Allele origin: germline.

Women's Health and Genetics/Laboratory Corporation of America, LabCorp
Classification: Likely benign. Last evaluated: 2025-02-10. Review status: criteria provided, single submitter. Criteria: LabCorp Variant Classification Summary - May 2015. Collection method: clinical testing. Allele origin: germline.

Blueprint Genetics
Classification: Likely benign. Last evaluated: 2024-04-23. Review status: criteria provided, single submitter. Criteria: ACMG Guidelines, 2015. Collection method: clinical testing. Allele origin: germline.

GeneDx
Classification: Likely benign. Last evaluated: 2016-09-08. Review status: criteria provided, single submitter. Criteria: GeneDx Variant Classification (06012015). Collection method: clinical testing. Allele origin: germline. Affected: yes.
Comment: This variant is considered likely benign or benign based on one or more of the following criteria: it is a conservative change, it occurs at a poorly conserved position in the protein, it is predicted to be benign by multiple in silico algorithms, and/or has population frequency not consistent with disease.

Breakthrough Genomics
Classification: Likely benign. Review status: criteria provided, single submitter. Criteria: ACMG Guidelines, 2015. Collection method: not provided. Allele origin: germline. Inheritance: Autosomal dominant inheritance. Affected: yes.